The following is an entry in ClinVar:

ClinVar aggregate classification (germline): Uncertain significance (1 of 4 stars; one submission).

Conditions:
Hereditary cancer-predisposing syndrome. Also called: Hereditary Cancer Syndrome; Neoplastic Syndromes, Hereditary; Tumor predisposition; Hereditary neoplastic syndrome. Identifiers: Orphanet 140162, MedGen C0027672, MeSH D009386, MONDO:0015356.

Allele frequency attached by ClinVar (database versions not stated): gnomAD exomes below 0.00001.

Submission:

Ambry Genetics
Classification: Uncertain significance for Hereditary cancer-predisposing syndrome. Last evaluated: 2025-02-08. Review status: criteria provided, single submitter. Criteria: Ambry Variant Classification Scheme 2023. Collection method: clinical testing. Allele origin: germline.
Comment: The p.M1615I variant (also known as c.4845G>T), located in coding exon 36 of the TSC2 gene, results from a G to T substitution at nucleotide position 4845. The methionine at codon 1615 is replaced by isoleucine, an amino acid with highly similar properties. This amino acid position is highly conserved in available vertebrate species. In addition, this alteration is predicted to be deleterious by in silico analysis. Since supporting evidence is limited at this time, the clinical significance of this alteration remains unclear.

NM_000548.5(TSC2):c.4845G>T (p.Met1615Ile)

Gene: TSC2 (TSC complex subunit 2; plus strand). Cytogenetic location: 16p13.3.
Variant type: single nucleotide variant.
Coding change: c.4845G>T on transcript NM_000548.5 (MANE Select); coding-DNA position 4845, G replaced by T.
Protein change: p.Met1615Ile; replaces methionine 1615 with isoleucine.
Molecular consequence: missense variant.
Genome position (GRCh38, 1-based): chr16:2,086,375, G>T. VCF-style: chr16-2086375-G-T. GRCh37 (hg19) VCF-style: chr16-2136376-G-T.
Other names: c.4776G>T, p.Met1592Ile (NM_001114382.3); c.4536G>T, p.Met1512Ile (NM_001318827.2); c.4500G>T, p.Met1500Ile (NM_001318829.2); c.4113G>T, p.Met1371Ile (NM_001318831.2); c.4677G>T, p.Met1559Ile (NM_001318832.2); c.4647G>T, p.Met1549Ile (NM_001363528.2); c.4713G>T, p.Met1571Ile (NM_001370404.1); c.4716G>T, p.Met1572Ile (NM_001370405.1, NM_021055.3); and 26 more; short protein forms M1014I, M1124I, M1348I, M1349I, M1392I, M1571I, M1572I, M1615I.
Identifiers: ClinVar variation 1743528 (VCV001743528.4), dbSNP rs2090790316, ClinGen allele CA394308154.
Genomic context (GRCh38, chr16:2,086,375, plus strand): 5'-AGGCCTGGACGTGTGTGGTGAGGACGGCCAGTTCACCTACTGCTGGCACGATGACATCAT[G>T]CAAGGTACGGCCTGGCGCCTACCCGCTCCTGCTGCCCCAGGCCTCAGGGCACGGCTCCCA-3'
Protein context (NP_000539.2, residues 1605-1625): QFTYCWHDDI[Met1615Ile]QAVFHIATLM